The following is an entry in ClinVar:

NM_001165963.4(SCN1A):c.4210G>C (p.Glu1404Gln)

Genes: SCN1A (sodium voltage-gated channel alpha subunit 1; minus strand), LOC102724058 (uncharacterized LOC102724058; plus strand). Cytogenetic location: 2q24.3.
Variant type: single nucleotide variant.
Coding change: c.4210G>C on transcript NM_001165963.4 (MANE Select); coding-DNA position 4210, G replaced by C.
Protein change: p.Glu1404Gln; replaces glutamic acid 1404 with glutamine.
Molecular consequence: missense variant. On other transcripts: non-coding transcript variant (1).
Genome position (GRCh38, 1-based): chr2:166,002,546, C>G on the plus strand (G>C on the coding strand, the complement: SCN1A is on the minus strand). VCF-style: chr2-166002546-C-G. GRCh37 (hg19) VCF-style: chr2-166859056-C-G.
Other names: c.4126G>C, p.Glu1376Gln (NM_001165964.3, NM_001353957.2, NM_001353958.2); c.4210G>C, p.Glu1404Gln (NM_001202435.3, NM_001353948.2); c.4177G>C, p.Glu1393Gln (NM_001353949.2, NM_001353950.2, NM_001353951.2 and 2 more transcripts); c.4174G>C, p.Glu1392Gln (NM_001353954.2, NM_001353955.2); c.4123G>C, p.Glu1375Gln (NM_001353960.2); c.1768G>C, p.Glu590Gln (NM_001353961.2); short protein forms E1375Q, E1376Q, E1392Q, E1393Q, E1404Q, E590Q.
Identifiers: ClinVar variation 3902633 (VCV003902633.1).

ClinVar aggregate classification (germline): Uncertain significance (1 of 4 stars; one submission).

Submission:

Women's Health and Genetics/Laboratory Corporation of America, LabCorp
Classification: Uncertain significance. Last evaluated: 2025-05-28. Review status: criteria provided, single submitter. Criteria: LabCorp Variant Classification Summary - May 2015. Collection method: clinical testing. Allele origin: germline.
Comment: Variant summary: SCN1A c.4210G>C (p.Glu1404Gln) results in a conservative amino acid change in the encoded protein sequence. Algorithms developed to predict the effect of missense changes on protein structure and function are either unavailable or do not agree on the potential impact of this missense change. The variant was absent in 250322 control chromosomes (gnomAD). The available data on variant occurrences in the general population are insufficient to allow any conclusion about variant significance. To our knowledge, no occurrence of c.4210G>C in individuals affected with SCN1A-Related Seizure Disorder and no experimental evidence demonstrating its impact on protein function have been reported. No submitters have cited clinical-significance assessments for this variant to ClinVar. Based on the evidence outlined above, the variant was classified as uncertain significance.